The following is an entry in ClinVar:

ClinVar aggregate classification (germline): Uncertain significance (1 of 4 stars; one submission).

Submission:

Labcorp Genetics (formerly Invitae), Labcorp
Classification: Uncertain significance. Last evaluated: 2026-02-02. Review status: criteria provided, single submitter. Criteria: Invitae Variant Classification Sherloc (09022015). Collection method: clinical testing. Allele origin: germline.
Comment: This sequence change replaces tyrosine, which is neutral and polar, with phenylalanine, which is neutral and non-polar, at codon 758 of the CCDC88A protein (p.Tyr758Phe). This variant is not present in population databases (gnomAD no frequency). This variant has not been reported in the literature in individuals affected with CCDC88A-related conditions. ClinVar contains an entry for this variant (Variation ID: 1480264). An algorithm developed to predict the effect of missense changes on protein structure and function (PolyPhen-2) suggests that this variant is likely to be tolerated. In summary, the available evidence is currently insufficient to determine the role of this variant in disease. Therefore, it has been classified as a Variant of Uncertain Significance.

NM_001365480.1(CCDC88A):c.2273A>T (p.Tyr758Phe)

Gene: CCDC88A (coiled-coil and HOOK domain protein 88A; minus strand). Cytogenetic location: 2p16.1.
Variant type: single nucleotide variant.
Coding change: c.2273A>T on transcript NM_001365480.1 (MANE Select); coding-DNA position 2273, A replaced by T.
Protein change: p.Tyr758Phe; replaces tyrosine 758 with phenylalanine.
Molecular consequence: missense variant.
Genome position (GRCh38, 1-based): chr2:55,334,548, T>A on the plus strand (A>T on the coding strand, the complement: CCDC88A is on the minus strand). VCF-style: chr2-55334548-T-A. GRCh37 (hg19) VCF-style: chr2-55561684-T-A.
Other names: c.2273A>T, p.Tyr758Phe (NM_001135597.2, NM_001254943.2, NM_018084.5); short protein forms Y758F.
Identifiers: ClinVar variation 1480264 (VCV001480264.6), dbSNP rs2104689471, ClinGen allele CA346900216.
Genomic context (GRCh38, chr2:55,334,548, plus strand): 5'-TTTTTATTGCTGTTCTCTAAAGTTTTTTGCAGTCTTTGATTTTCTATATCTAAACCCTGG[T>A]AGCTAACTTCTAAGCGTTCTGTTTTCTTGAAAGATGCTTTCAGGAGCTCCAAACCCTTCT-3'
Protein context (NP_001352409.1, residues 748-768): FKKTERLEVS[Tyr758Phe]QGLDIENQRL